The following is an entry in ClinVar:

NM_015512.5(DNAH1):c.5031C>T (p.Cys1677=)

Gene: DNAH1 (dynein axonemal heavy chain 1; plus strand). Cytogenetic location: 3p21.1.
Variant type: single nucleotide variant.
Coding change: c.5031C>T on transcript NM_015512.5 (MANE Select); coding-DNA position 5031, C replaced by T.
Protein change: p.Cys1677=; no amino-acid change (cysteine 1677 retained).
Molecular consequence: synonymous variant.
Genome position (GRCh38, 1-based): chr3:52,362,438, C>T. VCF-style: chr3-52362438-C-T. GRCh37 (hg19) VCF-style: chr3-52396454-C-T.
Identifiers: ClinVar variation 749097 (VCV000749097.9), dbSNP rs541221186, ClinGen allele CA2434075.

ClinVar aggregate classification (germline): Likely benign. Review status: criteria provided, single submitter (1 of 4 stars). 2 submissions from 2 submitters: Likely benign (1). 1 of the submissions does not count toward it. Last evaluated 2025-03-05.

Conditions:
DNAH1-related disorder. Also called: DNAH1-related condition.
Spermatogenic failure 18. Identifiers: MedGen C4539783, MONDO:0054615, OMIM 617576.
Ciliary dyskinesia, primary, 37 (CILD37). Also called: CILIARY DYSKINESIA, PRIMARY, 37, WITH OR WITHOUT SITUS INVERSUS. Identifiers: MedGen C4539798, MONDO:0033204, OMIM 617577.

Allele frequency attached by ClinVar (database versions not stated): TOPMed 0.00001; 1000 Genomes Project 0.00020; gnomAD exomes 0.00003 and 0.00006; ExAC 0.00010; 1000 Genomes Project 30x 0.00031.
gnomAD v4.1: 41 of 1,614,006 alleles (0.0025%); highest among the groups gnomAD compares: South Asian, 0.034%; 1 homozygote.

Submissions (2):

Labcorp Genetics (formerly Invitae), Labcorp
Classification: Likely benign for Ciliary dyskinesia, primary, 37; Spermatogenic failure 18. Last evaluated: 2025-03-05. Review status: criteria provided, single submitter. Criteria: Invitae Variant Classification Sherloc (09022015). Collection method: clinical testing. Allele origin: germline.

PreventionGenetics, part of Exact Sciences
Classification: Likely benign for DNAH1-related condition. Last evaluated: 2019-08-09. Review status: no assertion criteria provided. Collection method: clinical testing. Allele origin: germline. Not counted in ClinVar's aggregate classification.
Comment: This variant is classified as likely benign based on ACMG/AMP sequence variant interpretation guidelines (Richards et al. 2015 PMID: 25741868, with internal and published modifications).